The following is an entry in ClinVar:

ClinVar aggregate classification (germline): Pathogenic. Review status: criteria provided, multiple submitters, no conflicts (2 of 4 stars). 4 submissions from 4 submitters: Pathogenic (4). Last evaluated 2023-04-11.

Conditions:
Inborn genetic diseases. Identifiers: MedGen C0950123, MeSH D030342.
GLUT1 deficiency syndrome 1, autosomal recessive. Identifiers: MedGen C3149117.
Encephalopathy due to GLUT1 deficiency. Also called: GLUCOSE TRANSPORT DEFECT, BLOOD-BRAIN BARRIER; Classic Glucose Transporter Type 1 Deficiency Syndrome; GLUT1 deficiency syndrome 1, infantile onset, severe; Glucose transporter protein syndrome; De Vivo disease; GLUT1 deficiency syndrome 1. Identifiers: Orphanet 71277, MedGen C4551966, MONDO:0011724, OMIM 606777.

Submissions (4):

Genome-Nilou Lab
Classification: Pathogenic for Encephalopathy due to GLUT1 deficiency. Last evaluated: 2023-04-11. Review status: criteria provided, single submitter. Criteria: ACMG Guidelines, 2015. Collection method: clinical testing. Allele origin: germline. Affected: no.

Labcorp Genetics (formerly Invitae), Labcorp
Classification: Pathogenic for GLUT1 deficiency syndrome 1, autosomal recessive. Last evaluated: 2021-10-28. Review status: criteria provided, single submitter. Criteria: Invitae Variant Classification Sherloc (09022015). Collection method: clinical testing. Allele origin: germline.
Comment: For these reasons, this variant has been classified as Pathogenic. ClinVar contains an entry for this variant (Variation ID: 450860). This variant has not been reported in the literature in individuals affected with SLC2A1-related conditions. This variant is not present in population databases (gnomAD no frequency). This sequence change creates a premature translational stop signal (p.Gln270*) in the SLC2A1 gene. It is expected to result in an absent or disrupted protein product. Loss-of-function variants in SLC2A1 are known to be pathogenic (PMID: 21832227, 26193382).

GeneDx
Classification: Pathogenic. Last evaluated: 2017-07-24. Review status: criteria provided, single submitter. Criteria: GeneDx Variant Classification (06012015). Collection method: clinical testing. Allele origin: germline. Affected: yes.
Comment: The Q270X nonsense variant in the SLC2A1 gene is predicted to cause loss of normal protein function either through protein truncation or nonsense-mediated mRNA decay. The Q270X variant is not observed in large population cohorts (Lek et al., 2016; 1000 Genomes Consortium et al., 2015; Exome Variant Server).

Ambry Genetics
Classification: Pathogenic for Inborn genetic diseases. Last evaluated: 2016-12-16. Review status: criteria provided, single submitter. Criteria: Ambry exome assertion method (8-5-2015). Collection method: clinical testing. Allele origin: germline. Affected: yes. Observed: 1 variant allele.

Literature cited by the submitters: PubMed 21832227 (cited by Labcorp Genetics (formerly Invitae), Labcorp); PubMed 26193382 (cited by Labcorp Genetics (formerly Invitae), Labcorp).

NM_006516.4(SLC2A1):c.808C>T (p.Gln270Ter)

Gene: SLC2A1 (solute carrier family 2 member 1; minus strand). Cytogenetic location: 1p34.2.
Variant type: single nucleotide variant.
Coding change: c.808C>T on transcript NM_006516.4 (MANE Select); coding-DNA position 808, C replaced by T.
Protein change: p.Gln270Ter; replaces glutamine 270 with a stop codon.
Molecular consequence: nonsense.
Genome position (GRCh38, 1-based): chr1:42,929,652, G>A on the plus strand (C>T on the coding strand, the complement: SLC2A1 is on the minus strand). VCF-style: chr1-42929652-G-A. GRCh37 (hg19) VCF-style: chr1-43395323-G-A.
Other names: short protein forms Q270*.
Identifiers: ClinVar variation 450860 (VCV000450860.11), dbSNP rs1553156053, ClinGen allele CA339957526.